The following is an entry in ClinVar:

NM_020988.3(GNAO1):c.*28+1G>T

Gene: GNAO1 (G protein subunit alpha o1; plus strand). Cytogenetic location: 16q13.
Variant type: single nucleotide variant.
Coding change: c.*28+1G>T on transcript NM_020988.3 (MANE Select); the canonical splice donor site of the intron after 28 bases downstream of the stop codon, G replaced by T.
Molecular consequence: splice donor variant.
Genome position (GRCh38, 1-based): chr16:56,355,082, G>T. VCF-style: chr16-56355082-G-T. GRCh37 (hg19) VCF-style: chr16-56388994-G-T.
Identifiers: ClinVar variation 4891434 (VCV004891434.1).

ClinVar aggregate classification (germline): Uncertain significance (1 of 4 stars; one submission).

Submission:

GeneDx
Classification: Uncertain significance. Last evaluated: 2026-02-26. Review status: criteria provided, single submitter. Criteria: GeneDx Variant Classification Process June 2021. Collection method: clinical testing. Allele origin: germline.
Comment: Not observed at significant frequency in large population cohorts (gnomAD); Located in a regulatory region and in silico analysis is inconclusive as to whether the variant alters gene splicing; in the absence of functional studies, the actual effect of this sequence change is unknown; Has not been previously published as pathogenic or benign to our knowledge